The following is an entry in ClinVar:

ClinVar aggregate classification (germline): Uncertain significance. Review status: criteria provided, multiple submitters, no conflicts (2 of 4 stars). 2 submissions from 2 submitters: Uncertain significance (2). Last evaluated 2025-01-30.

Conditions:
Baller-Gerold syndrome (BGS). Also called: CRANIOSYNOSTOSIS WITH RADIAL DEFECTS. Identifiers: Orphanet 1225, MedGen C0265308, MONDO:0009039, OMIM 218600.

Allele frequency attached by ClinVar (database versions not stated): ExAC 0.00001; gnomAD exomes 0.00001; TOPMed 0.00002; gnomAD 0.00003.
gnomAD v4.1: 20 of 1,521,038 alleles (0.0013%); highest among the groups gnomAD compares: Non-Finnish European, 0.0017%; no homozygotes.

Submissions (2):

Labcorp Genetics (formerly Invitae), Labcorp
Classification: Uncertain significance for Baller-Gerold syndrome. Last evaluated: 2025-01-30. Review status: criteria provided, single submitter. Criteria: Invitae Variant Classification Sherloc (09022015). Collection method: clinical testing. Allele origin: germline.
Comment: This sequence change replaces proline, which is neutral and non-polar, with alanine, which is neutral and non-polar, at codon 121 of the RECQL4 protein (p.Pro121Ala). This variant is present in population databases (rs756069461, gnomAD 0.002%). This variant has not been reported in the literature in individuals affected with RECQL4-related conditions. ClinVar contains an entry for this variant (Variation ID: 528918). Invitae Evidence Modeling of protein sequence and biophysical properties (such as structural, functional, and spatial information, amino acid conservation, physicochemical variation, residue mobility, and thermodynamic stability) indicates that this missense variant is not expected to disrupt RECQL4 protein function with a negative predictive value of 80%. In summary, the available evidence is currently insufficient to determine the role of this variant in disease. Therefore, it has been classified as a Variant of Uncertain Significance.

GeneDx
Classification: Uncertain significance. Last evaluated: 2023-03-26. Review status: criteria provided, single submitter. Criteria: GeneDx Variant Classification Process June 2021. Collection method: clinical testing. Allele origin: germline. Affected: yes.
Comment: Has not been previously published as pathogenic or benign to our knowledge; In silico analysis supports that this missense variant does not alter protein structure/function

NM_004260.4(RECQL4):c.361C>G (p.Pro121Ala)

Gene: RECQL4 (RecQ like helicase 4; minus strand). Cytogenetic location: 8q24.3.
Variant type: single nucleotide variant.
Coding change: c.361C>G on transcript NM_004260.4 (MANE Select); coding-DNA position 361, C replaced by G.
Protein change: p.Pro121Ala; replaces proline 121 with alanine.
Molecular consequence: missense variant.
Genome position (GRCh38, 1-based): chr8:144,516,758, G>C on the plus strand (C>G on the coding strand, the complement: RECQL4 is on the minus strand). VCF-style: chr8-144516758-G-C. GRCh37 (hg19) VCF-style: chr8-145742142-G-C.
Other names: short protein forms P121A.
Identifiers: ClinVar variation 528918 (VCV000528918.9), dbSNP rs756069461, ClinGen allele CA4949318.